The following is an entry in ClinVar:

NM_024719.4(GRTP1):c.466-1342G>A

Gene: GRTP1 (growth hormone regulated TBC protein 1; minus strand). Cytogenetic location: 13q34.
Variant type: single nucleotide variant.
Coding change: c.466-1342G>A on transcript NM_024719.4 (MANE Select); 1342 bases into the intron before coding-DNA position 466, G replaced by A.
Molecular consequence: intron variant.
Genome position (GRCh38, 1-based): chr13:113,346,301, C>T on the plus strand (G>A on the coding strand, the complement: GRTP1 is on the minus strand). VCF-style: chr13-113346301-C-T. GRCh37 (hg19) VCF-style: chr13-114000616-C-T.
Other names: c.466-1342G>A (NM_001286733.1, NM_001286732.2); c.232-1342G>A (NM_001411029.1).
Identifiers: ClinVar variation 2643989 (VCV002643989.24), dbSNP rs1424383651, ClinGen allele CA612715387.
Genomic context (GRCh38, chr13:113,346,301, plus strand): 5'-GACCTCTGTGGCCGAGAGCAGATCCGGGAGGACCTCTGTGGCTGAGCGGATCTGGGAGGA[C>T]CTCTGTGGCAGAGAGCAGACCCGGGAGGACCTCTGTGGCCGAGAGCGGACCCAGGAGGAC-3'

ClinVar aggregate classification (germline): Likely benign (1 of 4 stars; one submission).

Allele frequency attached by ClinVar (database versions not stated): gnomAD 0.00137.
gnomAD v4.1: 63 of 46,844 alleles (0.13%); highest among the groups gnomAD compares: Non-Finnish European, 0.17%; 22 homozygotes.

Submission:

CeGaT Center for Human Genetics Tuebingen
Classification: Likely benign. Last evaluated: 2023-03-01. Review status: criteria provided, single submitter. Criteria: CeGaT Center For Human Genetics Tuebingen Variant Classification Criteria Version 2. Collection method: clinical testing. Allele origin: germline. Affected: yes. Observed: 3 variant alleles.
Comment: GRTP1: BS2